The following is an entry in ClinVar:

NM_004304.5(ALK):c.628G>T (p.Ala210Ser)

Gene: ALK (ALK receptor tyrosine kinase; minus strand). Cytogenetic location: 2p23.1.
Variant type: single nucleotide variant.
Coding change: c.628G>T on transcript NM_004304.5 (MANE Select); coding-DNA position 628, G replaced by T.
Protein change: p.Ala210Ser; replaces alanine 210 with serine.
Molecular consequence: missense variant.
Genome position (GRCh38, 1-based): chr2:29,920,032, C>A on the plus strand (G>T on the coding strand, the complement: ALK is on the minus strand). VCF-style: chr2-29920032-C-A. GRCh37 (hg19) VCF-style: chr2-30142898-C-A.
Other names: short protein forms A210S.
Identifiers: ClinVar variation 4870201 (VCV004870201.1).

ClinVar aggregate classification (germline): Uncertain significance (1 of 4 stars; one submission).

Conditions:
Hereditary cancer-predisposing syndrome. Also called: Neoplastic Syndromes, Hereditary; Tumor predisposition; Hereditary Cancer Syndrome; Hereditary neoplastic syndrome. Identifiers: Orphanet 140162, MedGen C0027672, MeSH D009386, MONDO:0015356.

Submission:

Ambry Genetics
Classification: Uncertain significance for Hereditary cancer-predisposing syndrome. Last evaluated: 2026-05-04. Review status: criteria provided, single submitter. Criteria: Ambry Variant Classification Scheme 2023. Collection method: clinical testing. Allele origin: germline.
Comment: The p.A210S variant (also known as c.628G>T), located in coding exon 1 of the ALK gene, results from a G to T substitution at nucleotide position 628. The alanine at codon 210 is replaced by serine, an amino acid with similar properties. This amino acid position is conserved. In addition, the in silico prediction for this alteration is inconclusive. Based on the available evidence, the clinical significance of this variant remains unclear.